The following is an entry in ClinVar:

NM_005048.4(PTH2R):c.924A>G (p.Glu308=)

Gene: PTH2R (parathyroid hormone 2 receptor; plus strand). Cytogenetic location: 2q34.
Variant type: single nucleotide variant.
Coding change: c.924A>G on transcript NM_005048.4 (MANE Select); coding-DNA position 924, A replaced by G.
Protein change: p.Glu308=; no amino-acid change (glutamic acid 308 retained).
Molecular consequence: synonymous variant. On other transcripts: non-coding transcript variant (4).
Genome position (GRCh38, 1-based): chr2:208,459,904, A>G. VCF-style: chr2-208459904-A-G. GRCh37 (hg19) VCF-style: chr2-209324629-A-G.
Other names: c.591A>G, p.Glu197= (NM_001309516.2, NM_001371905.1, NM_001371906.1 and 1 more transcripts).
Identifiers: ClinVar variation 3043082 (VCV003043082.2), dbSNP rs552308424, ClinGen allele CA2081205.

ClinVar aggregate classification (germline): Benign (0 of 4 stars; one submission).

Conditions:
PTH2R-related disorder. Also called: PTH2R-related condition.

Allele frequency attached by ClinVar (database versions not stated): TOPMed 0.00005; gnomAD 0.00029; gnomAD exomes 0.00051; ExAC 0.00127; 1000 Genomes Project 30x 0.00219; 1000 Genomes Project 0.00260.
gnomAD v4.1: 802 of 1,612,554 alleles (0.05%); highest among the groups gnomAD compares: South Asian, 0.82%; 15 homozygotes.

Submission:

PreventionGenetics, part of Exact Sciences
Classification: Benign for PTH2R-related condition. Last evaluated: 2019-06-27. Review status: no assertion criteria provided. Collection method: clinical testing. Allele origin: germline.
Comment: This variant is classified as benign based on ACMG/AMP sequence variant interpretation guidelines (Richards et al. 2015 PMID: 25741868, with internal and published modifications).